The following is an entry in ClinVar:

ClinVar aggregate classification (germline): Pathogenic (1 of 4 stars; one submission).

Conditions:
Tuberous sclerosis 1 (TSC1). Identifiers: Orphanet 805, MedGen C1854465, MONDO:0008612, OMIM 191100.

Submission:

Labcorp Genetics (formerly Invitae), Labcorp
Classification: Pathogenic for Tuberous sclerosis 1. Last evaluated: 2023-08-05. Review status: criteria provided, single submitter. Criteria: Invitae Variant Classification Sherloc (09022015). Collection method: clinical testing. Allele origin: germline.
Comment: This sequence change creates a premature translational stop signal (p.Asp693Glufs*32) in the TSC1 gene. It is expected to result in an absent or disrupted protein product. Loss-of-function variants in TSC1 are known to be pathogenic (PMID: 10227394, 17304050). This variant is not present in population databases (gnomAD no frequency). This variant has not been reported in the literature in individuals affected with TSC1-related conditions. For these reasons, this variant has been classified as Pathogenic.

Literature cited by the submitters: PubMed 10227394; PubMed 17304050.

NM_000368.5(TSC1):c.2077_2078dup (p.Asp693fs)

Gene: TSC1 (TSC complex subunit 1; minus strand). Cytogenetic location: 9q34.13.
Variant type: Microsatellite.
Coding change: c.2077_2078dup on transcript NM_000368.5 (MANE Select); coding-DNA positions 2077 to 2078, 2 bases duplicated (GA; older notation c.2077_2078dupGA).
Protein change: p.Asp693fs; shifts the reading frame from aspartic acid 693.
Molecular consequence: frameshift variant. On other transcripts: non-coding transcript variant (4).
Genome position (GRCh38, 1-based): chr9:132,903,781-132,903,782, TC duplicated on the plus strand (GA on the coding strand, the reverse complement: TSC1 is on the minus strand); duplicating any 2 consecutive bases within chr9:132,903,781-132,903,784 gives the same sequence; the c. name uses the placement nearest the transcript's 3' end. VCF-style (leftmost placement, unchanged base first): chr9-132903780-G-GTC. GRCh37 (hg19) VCF-style: chr9-135779167-G-GTC.
Other names: c.2074_2075dup, p.Asp692fs (NM_001162426.2, NM_001406597.1, NM_001406598.1 and 4 more transcripts); c.1924_1925dup, p.Asp642fs (NM_001162427.2, NM_001406610.1); c.1714_1715dup, p.Asp572fs (NM_001362177.2, NM_001406614.1, NM_001406615.1 and 5 more transcripts); c.2077_2078dup, p.Asp693fs (NM_001406592.1, NM_001406593.1, NM_001406594.1 and 5 more transcripts); c.2062_2063dup, p.Asp688fs (NM_001406601.1, NM_001406602.1); c.2059_2060dup, p.Asp687fs (NM_001406603.1, NM_001406604.1); c.1921_1922dup, p.Asp641fs (NM_001406611.1, NM_001406612.1, NM_001406613.1); c.1711_1712dup, p.Asp571fs (NM_001406620.1, NM_001406621.1, NM_001406622.1 and 2 more transcripts); and 3 more; short protein forms D692fs, D375fs, D376fs, D571fs, D572fs, D642fs, D687fs, D688fs.
Identifiers: ClinVar variation 2750384 (VCV002750384.3), dbSNP rs2538658624, ClinGen allele CA2697558148.
Genomic context (GRCh38, chr9:132,903,780, plus strand): 5'-GGCATGCTGCTGCCTCTTAAAACGCTCATAGAGTAACTGGTTGTGCAGTAAAAGCAACTG[G>GTC]TCTCGGAGGGTGCGGATCTCATCTGAAGGAGGAGAGCCTGATTGTAAAGCAGAGGGAGGG-3'